The following is an entry in ClinVar:

NM_138295.5(PKD1L1):c.5409C>T (p.Asp1803=)

Gene: PKD1L1 (polycystin 1 like 1, transient receptor potential channel interacting; minus strand). Cytogenetic location: 7p12.3.
Variant type: single nucleotide variant.
Coding change: c.5409C>T on transcript NM_138295.5 (MANE Select); coding-DNA position 5409, C replaced by T.
Protein change: p.Asp1803=; no amino-acid change (aspartic acid 1803 retained).
Molecular consequence: synonymous variant.
Genome position (GRCh38, 1-based): chr7:47,842,998, G>A on the plus strand (C>T on the coding strand, the complement: PKD1L1 is on the minus strand). VCF-style: chr7-47842998-G-A. GRCh37 (hg19) VCF-style: chr7-47882596-G-A.
Identifiers: ClinVar variation 4985596 (VCV004985596.1).

ClinVar aggregate classification (germline): Likely benign (1 of 4 stars; one submission).

Conditions:
PKD1L1-related disorder. Also called: PKD1L1-related condition.

gnomAD v4.1: 17 of 1,613,732 alleles (0.0011%); highest among the groups gnomAD compares: Non-Finnish European, 0.0013%; no homozygotes.

Submission:

PreventionGenetics, part of Exact Sciences
Classification: Likely benign for PKD1L1-related condition. Last evaluated: 2026-08-16. Review status: criteria provided, single submitter. Criteria: ACMG Guidelines, 2015. Collection method: clinical testing. Allele origin: germline.
Comment: This variant is classified as likely benign based on ACMG/AMP sequence variant interpretation guidelines (Richards et al. 2015 PMID: 25741868, with internal and published modifications).